The following is an entry in ClinVar:

NM_007294.4(BRCA1):c.548-9del

Gene: BRCA1 (BRCA1 DNA repair associated; minus strand). Cytogenetic location: 17q21.31.
Variant type: Deletion.
Coding change: c.548-9del on transcript NM_007294.4 (MANE Select); 9 bases into the intron before coding-DNA position 548, one base deleted (A; older notation c.548-9delA).
Molecular consequence: intron variant.
Genome position (GRCh38, 1-based): chr17:43,097,298, T deleted on the plus strand (A on the coding strand, the reverse complement: BRCA1 is on the minus strand); the first of 3 consecutive T bases (chr17:43,097,298-43,097,300); deleting any one gives the same sequence. VCF-style (leftmost placement, unchanged base first): chr17-43097297-AT-A. GRCh37 (hg19) VCF-style: chr17-41249314-AT-A.
Other names: IVS8-9delA; c.548-9delA (NM_007294.3, NM_007294.4); c.407-9del (NM_001408458.1, NM_001408469.1, NM_001408453.1 and 43 more transcripts); c.-218-2438del (NM_001407967.1, NM_001407966.1); c.167-9del (NM_001407959.1, NM_001408510.1, NM_001407963.1 and 1 more transcripts); c.404-2438del (NM_001407931.1, NM_001407932.1, NM_001408503.1 and 5 more transcripts); c.404-9del (NM_001407747.1, NM_001408470.1, NM_001407848.1 and 26 more transcripts); c.164-9del (NM_001407962.1); and 19 more.
Identifiers: ClinVar variation 37678 (VCV000037678.37), dbSNP rs273902774, ClinGen allele CA003659.

ClinVar aggregate classification (germline): Conflicting classifications of pathogenicity. Review status: criteria provided, conflicting classifications (1 of 4 stars). 12 submissions from 12 submitters: Uncertain significance (1); Benign (1); Likely benign (6). 4 of the submissions do not count toward it. Last evaluated 2026-06-08.

Conditions:
Breast and/or ovarian cancer. Identifiers: MedGen CN221562.
Hereditary cancer-predisposing syndrome. Also called: Tumor predisposition; Neoplastic Syndromes, Hereditary; Hereditary Cancer Syndrome; Hereditary neoplastic syndrome. Identifiers: Orphanet 140162, MedGen C0027672, MeSH D009386, MONDO:0015356.
Hereditary breast ovarian cancer syndrome. Also called: Hereditary breast and ovarian cancer syndrome (HBOC); Hereditary breast and ovarian cancer syndrome; Hereditary breast and ovarian cancer; Hereditary breast and/or ovarian cancer syndrome; Breast and ovarian cancer; BRCA1- and BRCA2-Associated Hereditary Breast and Ovarian Cancer. Identifiers: Orphanet 145, MedGen C0677776, MeSH D061325, MONDO:0003582. Disease mechanism: loss of function.
Breast-ovarian cancer, familial, susceptibility to, 1 (BROVCA1). Also called: OVARIAN CANCER, SUSCEPTIBILITY TO; BRCA1 Hereditary Breast and Ovarian Cancer. Identifiers: Orphanet 145, MedGen C2676676, MONDO:0011450, OMIM 604370. Disease mechanism: loss of function.

Submissions (12):

Women's Health and Genetics/Laboratory Corporation of America, LabCorp
Classification: Likely benign. Last evaluated: 2026-06-08. Review status: criteria provided, single submitter. Criteria: LabCorp Variant Classification Summary - May 2015. Collection method: clinical testing. Allele origin: germline.
Comment: Variant summary: BRCA1 c.548-9delA alters a non-conserved nucleotide located at a position not widely known to affect splicing. Consensus agreement among computation tools predict no significant impact on normal splicing. However, these predictions have yet to be confirmed by functional studies. The variant allele was found at a frequency of 2.9e-05 in 273214 control chromosomes, predominantly at a frequency of 0.00038 within the African or African-American subpopulation in the gnomAD database. The available data on variant occurrences in the general population are insufficient to allow any conclusion about variant significance. c.548-9delA has been reported in the literature in individuals affected with breast and/or ovarian cancer (example, Cheng_2017, Diaz-Zabala_2018, Judkins_2005, Fackenthal_2012). These reports do not provide unequivocal conclusions about association of the variant with Hereditary Breast And Ovarian Cancer Syndrome. To our knowledge, no experimental evidence demonstrating an impact on protein function has been reported. The following publications have been ascertained in the context of this evaluation (PMID: 16267036, 22034289, 28526081, 30400234, 32467295, 38566028). ClinVar contains an entry for this variant (Variation ID: 37678). Based on the evidence outlined above, the variant was classified as likely benign.

Labcorp Genetics (formerly Invitae), Labcorp
Classification: Benign for Hereditary breast ovarian cancer syndrome. Last evaluated: 2026-02-01. Review status: criteria provided, single submitter. Criteria: Invitae Variant Classification Sherloc (09022015). Collection method: clinical testing. Allele origin: germline.

Quest Diagnostics Nichols Institute San Juan Capistrano
Classification: Likely benign. Last evaluated: 2023-03-28. Review status: criteria provided, single submitter. Criteria: Quest Diagnostics criteria. Collection method: clinical testing. Allele origin: unknown.

Sema4
Classification: Likely benign for Hereditary cancer-predisposing syndrome. Last evaluated: 2022-01-22. Review status: criteria provided, single submitter. Criteria: Sema4 Curation Guidelines. Collection method: curation. Allele origin: germline.

GeneDx
Classification: Likely benign. Last evaluated: 2020-11-16. Review status: criteria provided, single submitter. Criteria: GeneDx Variant Classification Process June 2021. Collection method: clinical testing. Allele origin: germline. Affected: yes.
Comment: This variant is associated with the following publications: (PMID: 22034289, 16267036)

ARUP Laboratories, Molecular Genetics and Genomics, ARUP Laboratories
Classification: Likely benign. Last evaluated: 2019-12-12. Review status: criteria provided, single submitter. Criteria: ARUP Molecular Germline Variant Investigation Process. Collection method: clinical testing. Allele origin: germline.

Eurofins Ntd Llc (ga)
Classification: Uncertain significance. Last evaluated: 2016-10-03. Review status: criteria provided, single submitter. Criteria: EGL Classification Definitions 2015. Collection method: clinical testing. Allele origin: germline. Observed: 1 variant allele, 1 heterozygote.

Color Diagnostics, LLC DBA Color Health
Classification: Likely benign for Hereditary cancer-predisposing syndrome. Last evaluated: 2016-04-07. Review status: criteria provided, single submitter. Criteria: ACMG Guidelines, 2015. Collection method: clinical testing. Allele origin: germline.

Counsyl
Classification: Likely benign for Breast-ovarian cancer, familial, susceptibility to, 1. Last evaluated: 2016-09-27. Review status: no assertion criteria provided. Collection method: clinical testing. Allele origin: unknown. Not counted in ClinVar's aggregate classification.

Sharing Clinical Reports Project (SCRP)
Classification: Benign for Breast-ovarian cancer, familial 1. Last evaluated: 2009-11-04. Review status: no assertion criteria provided. Collection method: clinical testing. Allele origin: germline. Not counted in ClinVar's aggregate classification.

Breast Cancer Information Core (BIC) (BRCA1)
Classification: Uncertain significance for Breast-ovarian cancer, familial 1. Last evaluated: 2002-06-20. Review status: no assertion criteria provided. Collection method: clinical testing. Allele origin: germline. Affected: yes. Observed: 2 variant alleles. Not counted in ClinVar's aggregate classification.

Foulkes Cancer Genetics LDI, Lady Davis Institute for Medical Research
Classification: Benign for Breast and/or ovarian cancer. Review status: no assertion criteria provided. Collection method: clinical testing. Allele origin: germline. Study: The Canadian Open Genetics Repository (COGR). Not counted in ClinVar's aggregate classification.

Literature cited by the submitters: PubMed 16267036 (cited by 3 submitters); PubMed 22034289 (cited by 4 submitters); PubMed 28526081 (cited by Women's Health and Genetics/Laboratory Corporation of America, LabCorp and Quest Diagnostics Nichols Institute San Juan Capistrano); PubMed 30400234 (cited by 3 submitters); PubMed 32467295 (cited by 3 submitters); PubMed 38566028 (cited by Women's Health and Genetics/Laboratory Corporation of America, LabCorp); PubMed 30850667 (cited by Quest Diagnostics Nichols Institute San Juan Capistrano and Sema4).